The following is an entry in ClinVar:

ClinVar aggregate classification (germline): Uncertain significance (1 of 4 stars; one submission).

Conditions:
Primary pulmonary hypertension. Also called: Idiopathic pulmonary hypertension. Identifiers: MedGen C0152171.

Submission:

Labcorp Genetics (formerly Invitae), Labcorp
Classification: Uncertain significance for Primary pulmonary hypertension. Last evaluated: 2025-09-29. Review status: criteria provided, single submitter. Criteria: Invitae Variant Classification Sherloc (09022015). Collection method: clinical testing. Allele origin: germline.
Comment: This sequence change replaces asparagine, which is neutral and polar, with lysine, which is basic and polar, at codon 245 of the BMPR2 protein (p.Asn245Lys). This variant is not present in population databases (gnomAD no frequency). This variant has not been reported in the literature in individuals affected with BMPR2-related conditions. Invitae Evidence Modeling of protein sequence and biophysical properties (such as structural, functional, and spatial information, amino acid conservation, physicochemical variation, residue mobility, and thermodynamic stability) indicates that this missense variant is not expected to disrupt BMPR2 protein function with a negative predictive value of 95%. In summary, the available evidence is currently insufficient to determine the role of this variant in disease. Therefore, it has been classified as a Variant of Uncertain Significance.

NM_001204.7(BMPR2):c.735C>A (p.Asn245Lys)

Gene: BMPR2 (bone morphogenetic protein receptor type 2; plus strand). Cytogenetic location: 2q33.2.
Variant type: single nucleotide variant.
Coding change: c.735C>A on transcript NM_001204.7 (MANE Select); coding-DNA position 735, C replaced by A.
Protein change: p.Asn245Lys; replaces asparagine 245 with lysine.
Molecular consequence: missense variant.
Genome position (GRCh38, 1-based): chr2:202,518,935, C>A. VCF-style: chr2-202518935-C-A. GRCh37 (hg19) VCF-style: chr2-203383658-C-A.
Other names: short protein forms N245K.
Identifiers: ClinVar variation 4746082 (VCV004746082.1).
Genomic context (GRCh38, chr2:202,518,935, plus strand): 5'-TCCAGTTGCTGTAAAAGTGTTTTCCTTTGCAAACCGTCAGAATTTTATCAACGAAAAGAA[C>A]ATTTACAGAGTGCCTTTGATGGAACATGACAACATTGCCCGCTTTATAGTTGGAGATGAG-3'
Protein context (NP_001195.2, residues 235-255): ANRQNFINEK[Asn245Lys]IYRVPLMEHD